The following is an entry in ClinVar:

NM_174936.4(PCSK9):c.391C>G (p.Leu131Val)

Gene: PCSK9 (proprotein convertase subtilisin/kexin type 9; plus strand). Cytogenetic location: 1p32.3.
Variant type: single nucleotide variant.
Coding change: c.391C>G on transcript NM_174936.4 (MANE Select); coding-DNA position 391, C replaced by G.
Protein change: p.Leu131Val; replaces leucine 131 with valine.
Molecular consequence: missense variant. On other transcripts: non-coding transcript variant (6), intron variant (1).
Genome position (GRCh38, 1-based): chr1:55,044,026, C>G. VCF-style: chr1-55044026-C-G. GRCh37 (hg19) VCF-style: chr1-55509699-C-G.
Other names: c.514C>G, p.Leu172Val (NM_001407240.1); c.391C>G, p.Leu131Val (NM_001407241.1, NM_001407242.1, NM_001407243.1 and 2 more transcripts); c.16C>G, p.Leu6Val (NM_001407246.1); c.208-2497C>G (NM_001407245.1); short protein forms L131V, L172V, L6V.
Identifiers: ClinVar variation 4855003 (VCV004855003.1).

ClinVar aggregate classification (germline): Uncertain significance (1 of 4 stars; one submission).

Conditions:
Hypercholesterolemia, autosomal dominant, 3 (FHCL3). Also called: Familial hypercholesterolemia 3; Familial Hypercholesterolemia, Autosomal Dominant, 3; PCSK9-Related Familial Hypercholesterolemia, Autosomal Dominant. Identifiers: MedGen C1863551, MONDO:0011369, OMIM 603776.

Submission:

3billion
Classification: Uncertain significance for Hypercholesterolemia, autosomal dominant, 3. Last evaluated: 2026-01-06. Review status: criteria provided, single submitter. Criteria: ACMG Guidelines, 2015. Collection method: clinical testing. Allele origin: germline. Affected: yes.
Comment: The variant is not observed in the gnomAD v4.1.0 dataset. Predicted Consequence/Location: Missense variant. Missense changes are a common disease-causing mechanism. Damaging effect on gene or gene product predicted by in silico programs is uncertain [REVEL: 0.27 (damaging >=0.6, benign <0.4), 3Cnet: 0.10 (damaging >0.75, benign <0.1)]. Different missense changes at the same codon have been reported as of uncertain significance (ClinVar ID: VCV002454167). Therefore, this variant is classified as VUS according to the recommendation of ACMG/AMP guideline.